The following is an entry in ClinVar:

NM_003079.5(SMARCE1):c.152T>G (p.Val51Gly)

Gene: SMARCE1 (SWI/SNF related BAF chromatin remodeling complex subunit E1; minus strand). Cytogenetic location: 17q21.2.
Variant type: single nucleotide variant.
Coding change: c.152T>G on transcript NM_003079.5 (MANE Select); coding-DNA position 152, T replaced by G.
Protein change: p.Val51Gly; replaces valine 51 with glycine.
Molecular consequence: missense variant.
Genome position (GRCh38, 1-based): chr17:40,642,459, A>C on the plus strand (T>G on the coding strand, the complement: SMARCE1 is on the minus strand). VCF-style: chr17-40642459-A-C. GRCh37 (hg19) VCF-style: chr17-38798711-A-C.
Other names: short protein forms V51G.
Identifiers: ClinVar variation 959823 (VCV000959823.10), dbSNP rs1597749716, ClinGen allele CA399369526.
Genomic context (GRCh38, chr17:40,642,459, plus strand): 5'-GCATTTCTGGTCAATTCCAGTTGTTTGCCGGATGCTGTAATAGTTGATTCTCCTACCGTG[A>C]CCCGGCTGTTGGTGCCCGGGTTCCCTCCCAGCCTGTAGTTGTTGTAGGCGAGATGACTGT-3'
Protein context (NP_003070.3, residues 41-61): LGGNPGTNSR[Val51Gly]TASSGITIPK

ClinVar aggregate classification (germline): Uncertain significance. Review status: criteria provided, multiple submitters, no conflicts (2 of 4 stars). 2 submissions from 2 submitters: Uncertain significance (2). Last evaluated 2026-02-05.

Conditions:
Hereditary cancer-predisposing syndrome. Also called: Tumor predisposition; Hereditary neoplastic syndrome; Hereditary Cancer Syndrome; Neoplastic Syndromes, Hereditary. Identifiers: Orphanet 140162, MedGen C0027672, MeSH D009386, MONDO:0015356.
Familial meningioma. Also called: Meningioma, familial, susceptibility to. Identifiers: Orphanet 263662, MedGen C3551915, MONDO:0011789, OMIM 607174.

Allele frequency attached by ClinVar (database versions not stated): gnomAD exomes below 0.00001.
gnomAD v4.1: 2 of 1,580,732 alleles (0.00013%); highest among the groups gnomAD compares: Non-Finnish European, 0.00017%; no homozygotes.

Submissions (2):

Ambry Genetics
Classification: Uncertain significance for Hereditary cancer-predisposing syndrome. Last evaluated: 2026-02-05. Review status: criteria provided, single submitter. Criteria: Ambry Variant Classification Scheme 2023. Collection method: clinical testing. Allele origin: germline.
Comment: The p.V51G variant (also known as c.152T>G), located in coding exon 3 of the SMARCE1 gene, results from a T to G substitution at nucleotide position 152. The valine at codon 51 is replaced by glycine, an amino acid with dissimilar properties. This amino acid position is well conserved in available vertebrate species. In addition, this alteration is predicted to be tolerated by in silico analysis. Based on the available evidence, the clinical significance of this variant remains unclear.

Labcorp Genetics (formerly Invitae), Labcorp
Classification: Uncertain significance for Familial meningioma. Last evaluated: 2019-11-13. Review status: criteria provided, single submitter. Criteria: Invitae Variant Classification Sherloc (09022015). Collection method: clinical testing. Allele origin: germline.
Comment: In summary, the available evidence is currently insufficient to determine the role of this variant in disease. Therefore, it has been classified as a Variant of Uncertain Significance. Algorithms developed to predict the effect of missense changes on protein structure and function are either unavailable or do not agree on the potential impact of this missense change (SIFT: "Deleterious"; PolyPhen-2: "Benign"; Align-GVGD: "Class C0"). This variant has not been reported in the literature in individuals with SMARCE1-related conditions. This variant is not present in population databases (ExAC no frequency). This sequence change replaces valine with glycine at codon 51 of the SMARCE1 protein (p.Val51Gly). The valine residue is moderately conserved and there is a moderate physicochemical difference between valine and glycine.